The following is an entry in ClinVar:

ClinVar aggregate classification (germline): Uncertain significance. Review status: criteria provided, multiple submitters, no conflicts (2 of 4 stars). 2 submissions from 2 submitters: Uncertain significance (2). Last evaluated 2023-11-17.

Conditions:
Inborn genetic diseases. Identifiers: MedGen C0950123, MeSH D030342.
Holoprosencephaly 3 (HPE3). Identifiers: Orphanet 2162, MedGen C1840529, MONDO:0007733, OMIM 142945.

Allele frequency attached by ClinVar (database versions not stated): gnomAD 0.00001; TOPMed 0.00001.
gnomAD v4.1: 2 of 1,614,032 alleles (0.00012%); highest among the groups gnomAD compares: African/African-American, 0.0027%; no homozygotes.

Submissions (2):

Ambry Genetics
Classification: Uncertain significance for Inborn genetic diseases. Last evaluated: 2023-11-17. Review status: criteria provided, single submitter. Criteria: Ambry Variant Classification Scheme 2023. Collection method: clinical testing. Allele origin: germline.

Labcorp Genetics (formerly Invitae), Labcorp
Classification: Uncertain significance for Holoprosencephaly 3. Last evaluated: 2023-10-17. Review status: criteria provided, single submitter. Criteria: Invitae Variant Classification Sherloc (09022015). Collection method: clinical testing. Allele origin: germline.
Comment: This sequence change replaces alanine, which is neutral and non-polar, with proline, which is neutral and non-polar, at codon 5 of the SHH protein (p.Ala5Pro). This variant is not present in population databases (gnomAD no frequency). This variant has not been reported in the literature in individuals affected with SHH-related conditions. ClinVar contains an entry for this variant (Variation ID: 1949404). Experimental studies and prediction algorithms are not available or were not evaluated, and the functional significance of this variant is currently unknown. In summary, the available evidence is currently insufficient to determine the role of this variant in disease. Therefore, it has been classified as a Variant of Uncertain Significance.

NM_000193.4(SHH):c.13G>C (p.Ala5Pro)

Gene: SHH (sonic hedgehog signaling molecule; minus strand). Cytogenetic location: 7q36.3.
Variant type: single nucleotide variant.
Coding change: c.13G>C on transcript NM_000193.4 (MANE Select); coding-DNA position 13, G replaced by C.
Protein change: p.Ala5Pro; replaces alanine 5 with proline.
Molecular consequence: missense variant.
Genome position (GRCh38, 1-based): chr7:155,812,110, C>G on the plus strand (G>C on the coding strand, the complement: SHH is on the minus strand). VCF-style: chr7-155812110-C-G. GRCh37 (hg19) VCF-style: chr7-155604804-C-G.
Other names: c.13G>C (NM_000193.2); short protein forms A5P.
Identifiers: ClinVar variation 1949404 (VCV001949404.6), dbSNP rs1232748250, ClinGen allele CA370152767.